The following is an entry in ClinVar:

NM_001378969.1(KCND3):c.1359G>A (p.Ala453=)

Gene: KCND3 (potassium voltage-gated channel subfamily D member 3; minus strand). Cytogenetic location: 1p13.2.
Variant type: single nucleotide variant.
Coding change: c.1359G>A on transcript NM_001378969.1 (MANE Select); coding-DNA position 1359, G replaced by A.
Protein change: p.Ala453=; no amino-acid change (alanine 453 retained).
Molecular consequence: synonymous variant.
Genome position (GRCh38, 1-based): chr1:111,780,702, C>T on the plus strand (G>A on the coding strand, the complement: KCND3 is on the minus strand). VCF-style: chr1-111780702-C-T. GRCh37 (hg19) VCF-style: chr1-112323324-C-T.
Other names: c.1359G>A, p.Ala453= (NM_001378970.1, NM_004980.5, NM_172198.3).
Identifiers: ClinVar variation 510916 (VCV000510916.13), dbSNP rs762936059, ClinGen allele CA1007464.

ClinVar aggregate classification (germline): Likely benign. Review status: criteria provided, multiple submitters, no conflicts (2 of 4 stars). 4 submissions from 4 submitters: Likely benign (3). 1 of the submissions does not count toward it. Last evaluated 2025-09-08.

Conditions:
Cardiovascular phenotype. Identifiers: MedGen CN230736.
KCND3-related disorder. Also called: KCND3-related condition.
Spinocerebellar ataxia type 19/22 (SCA19). Also called: SPINOCEREBELLAR ATAXIA 19; SPINOCEREBELLAR ATAXIA 22. Identifiers: Orphanet 98772, MedGen C1846367, MONDO:0011819, OMIM 607346.

Allele frequency attached by ClinVar (database versions not stated): gnomAD 0.00001 and 0.00002; TOPMed 0.00007.
gnomAD v4.1: 51 of 1,609,894 alleles (0.0032%); highest among the groups gnomAD compares: Middle Eastern, 0.033%; no homozygotes.

Submissions (4):

Labcorp Genetics (formerly Invitae), Labcorp
Classification: Likely benign for Spinocerebellar ataxia type 19/22. Last evaluated: 2025-09-08. Review status: criteria provided, single submitter. Criteria: Invitae Variant Classification Sherloc (09022015). Collection method: clinical testing. Allele origin: germline.

Ambry Genetics
Classification: Likely benign for Cardiovascular phenotype. Last evaluated: 2020-07-17. Review status: criteria provided, single submitter. Criteria: Ambry Variant Classification Scheme 2023. Collection method: clinical testing. Allele origin: germline.

GeneDx
Classification: Likely benign. Last evaluated: 2017-07-18. Review status: criteria provided, single submitter. Criteria: GeneDx Variant Classification (06012015). Collection method: clinical testing. Allele origin: germline. Affected: yes.
Comment: This variant is considered likely benign or benign based on one or more of the following criteria: it is a conservative change, it occurs at a poorly conserved position in the protein, it is predicted to be benign by multiple in silico algorithms, and/or has population frequency not consistent with disease.

PreventionGenetics, part of Exact Sciences
Classification: Likely benign for KCND3-related condition. Last evaluated: 2021-11-22. Review status: no assertion criteria provided. Collection method: clinical testing. Allele origin: germline. Not counted in ClinVar's aggregate classification.
Comment: This variant is classified as likely benign based on ACMG/AMP sequence variant interpretation guidelines (Richards et al. 2015 PMID: 25741868, with internal and published modifications).